The following is an entry in ClinVar:

NM_005219.5(DIAPH1):c.1420_1421delinsAG (p.Val474Arg)

Gene: DIAPH1 (diaphanous related formin 1; minus strand). Cytogenetic location: 5q31.3.
Variant type: Indel.
Coding change: c.1420_1421delinsAG on transcript NM_005219.5 (MANE Select); coding-DNA positions 1420 to 1421, GT replaced by AG.
Protein change: p.Val474Arg; replaces valine 474 with arginine.
Molecular consequence: missense variant.
Genome position (GRCh38, 1-based): chr5:141,576,270-141,576,271, AC replaced by CT on the plus strand (GT replaced by AG on the coding strand, the reverse complement: DIAPH1 is on the minus strand). VCF-style: chr5-141576270-AC-CT. GRCh37 (hg19) VCF-style: chr5-140955837-AC-CT.
Other names: c.1393_1394delinsAG, p.Val465Arg (NM_001079812.3); c.1420_1421delinsAG, p.Val474Arg (NM_001314007.2); short protein forms V465R, V474R.
Identifiers: ClinVar variation 1381574 (VCV001381574.6), dbSNP rs2154596391, ClinGen allele CA2573139130.

ClinVar aggregate classification (germline): Uncertain significance (1 of 4 stars; one submission).

Conditions:
Autosomal dominant nonsyndromic hearing loss 1. Also called: KONIGSMARK SYNDROME; DEAFNESS, AUTOSOMAL DOMINANT 1, WITH OR WITHOUT THROMBOCYTOPENIA. Identifiers: Orphanet 90635, MedGen C1852282, MONDO:0007424, OMIM 124900.
Progressive microcephaly-seizures-cortical blindness-developmental delay syndrome. Also called: Seizures, cortical blindness, and microcephaly syndrome. Identifiers: Orphanet 477814, MedGen C5567650, MONDO:0014714, OMIM 616632.

Submission:

Labcorp Genetics (formerly Invitae), Labcorp
Classification: Uncertain significance for Progressive microcephaly-seizures-cortical blindness-developmental delay syndrome; Autosomal dominant nonsyndromic hearing loss 1. Last evaluated: 2021-10-19. Review status: criteria provided, single submitter. Criteria: Invitae Variant Classification Sherloc (09022015). Collection method: clinical testing. Allele origin: germline.
Comment: The frequency data for this variant in the population databases is not available, as this variant may be reported as separate entries in the ExAC database. This sequence change replaces valine with arginine at codon 474 of the DIAPH1 protein (p.Val474Arg). The valine residue is moderately conserved and there is a moderate physicochemical difference between valine and arginine. Experimental studies and prediction algorithms are not available or were not evaluated, and the functional significance of this variant is currently unknown. In summary, the available evidence is currently insufficient to determine the role of this variant in disease. Therefore, it has been classified as a Variant of Uncertain Significance. This variant has not been reported in the literature in individuals affected with DIAPH1-related conditions.